The following is an entry in ClinVar:

ClinVar aggregate classification (germline): Likely benign. Review status: criteria provided, multiple submitters, no conflicts (2 of 4 stars). 7 submissions from 7 submitters: Likely benign (7). Last evaluated 2026-01-05.

Conditions:
Cardiomyopathy (CMYO). Also called: Cardiomyopathies. Identifiers: Orphanet 167848, MedGen C0878544, MONDO:0004994, HP:0001638. Inheritance: Various modes of inheritance.
Catecholaminergic polymorphic ventricular tachycardia 1. Also called: VENTRICULAR TACHYCARDIA, CATECHOLAMINERGIC POLYMORPHIC, 1, WITH OR WITHOUT ATRIAL DYSFUNCTION AND/OR DILATED CARDIOMYOPATHY; VENTRICULAR TACHYCARDIA, STRESS-INDUCED POLYMORPHIC 1; RYR2-Related Catecholaminergic Polymorphic Ventricular Tachycardia. Identifiers: Orphanet 3286, MedGen C1631597, MONDO:0011484, OMIM 604772.
Catecholaminergic polymorphic ventricular tachycardia (CVPT). Also called: Catecholamine-induced polymorphic ventricular tachycardia. Identifiers: Orphanet 3286, MedGen C5574922, MONDO:0017990.
Cardiovascular phenotype. Identifiers: MedGen CN230736.

Allele frequency attached by ClinVar (database versions not stated): gnomAD exomes 0.00001 and 0.00002; ExAC 0.00002; gnomAD 0.00017 and 0.00018; TOPMed 0.00017; ESP Exome Variant Server 0.00024.
gnomAD v4.1: 33 of 1,613,856 alleles (0.002%); highest among the groups gnomAD compares: African/African-American, 0.044%; no homozygotes.

Submissions (7):

Labcorp Genetics (formerly Invitae), Labcorp
Classification: Likely benign for Catecholaminergic polymorphic ventricular tachycardia 1. Last evaluated: 2026-01-05. Review status: criteria provided, single submitter. Criteria: Invitae Variant Classification Sherloc (09022015). Collection method: clinical testing. Allele origin: germline.

Women's Health and Genetics/Laboratory Corporation of America, LabCorp
Classification: Likely benign. Last evaluated: 2025-04-25. Review status: criteria provided, single submitter. Criteria: LabCorp Variant Classification Summary - May 2015. Collection method: clinical testing. Allele origin: germline.

Mayo Clinic Laboratories, Mayo Clinic
Classification: Likely benign. Last evaluated: 2025-02-13. Review status: criteria provided, single submitter. Criteria: ACMG Guidelines, 2015. Collection method: clinical testing. Allele origin: germline. Observed: 1 variant allele.
Comment: BP4, BP7

All of Us Research Program, National Institutes of Health
Classification: Likely benign for Catecholaminergic polymorphic ventricular tachycardia. Last evaluated: 2023-12-18. Review status: criteria provided, single submitter. Criteria: ACMG Guidelines, 2015. Collection method: clinical testing. Allele origin: germline. Inheritance: Autosomal dominant inheritance. Observed: 3 variant alleles, 3 heterozygotes.
Comment: This study involves interpretation of variants in research participants for the purpose of population health screening. Participant phenotype was not available at the time of variant classification. Additional details can be found in publication PMID: 35346344, PMCID: PMC8962531

GeneDx
Classification: Likely benign. Last evaluated: 2020-10-05. Review status: criteria provided, single submitter. Criteria: GeneDx Variant Classification Process June 2021. Collection method: clinical testing. Allele origin: germline. Affected: yes.

Color Diagnostics, LLC DBA Color Health
Classification: Likely benign for Cardiomyopathy. Last evaluated: 2019-01-21. Review status: criteria provided, single submitter. Criteria: ACMG Guidelines, 2015. Collection method: clinical testing. Allele origin: germline.

Ambry Genetics
Classification: Likely benign for Cardiovascular phenotype. Last evaluated: 2018-12-03. Review status: criteria provided, single submitter. Criteria: Ambry Variant Classification Scheme 2023. Collection method: clinical testing. Allele origin: germline.

NM_001035.3(RYR2):c.3408C>A (p.Ala1136=)

Gene: RYR2 (ryanodine receptor 2; plus strand). Cytogenetic location: 1q43.
Variant type: single nucleotide variant.
Coding change: c.3408C>A on transcript NM_001035.3 (MANE Select); coding-DNA position 3408, C replaced by A.
Protein change: p.Ala1136=; no amino-acid change (alanine 1136 retained).
Molecular consequence: synonymous variant.
Genome position (GRCh38, 1-based): chr1:237,566,760, C>A. VCF-style: chr1-237566760-C-A. GRCh37 (hg19) VCF-style: chr1-237730060-C-A.
Other names: p.Ala1136=; c.3408C>A (NM_001035.2).
Identifiers: ClinVar variation 926052 (VCV000926052.21), dbSNP rs371248758, ClinGen allele CA086363.